The following is an entry in ClinVar:

ClinVar aggregate classification (germline): Uncertain significance (1 of 4 stars; one submission).

Allele frequency attached by ClinVar (database versions not stated): gnomAD exomes 0.00001; ExAC 0.00002.

Submission:

Labcorp Genetics (formerly Invitae), Labcorp
Classification: Uncertain significance. Last evaluated: 2023-08-04. Review status: criteria provided, single submitter. Criteria: Invitae Variant Classification Sherloc (09022015). Collection method: clinical testing. Allele origin: germline.
Comment: In summary, the available evidence is currently insufficient to determine the role of this variant in disease. Therefore, it has been classified as a Variant of Uncertain Significance. ClinVar contains an entry for this variant (Variation ID: 1935582). This variant has not been reported in the literature in individuals affected with MGME1-related conditions. This variant is present in population databases (rs778604585, gnomAD 0.02%). This sequence change affects the initiator methionine of the MGME1 mRNA. The next in-frame methionine is located at codon 3.

NM_052865.4(MGME1):c.1A>G (p.Met1Val)

Genes: MGME1 (mitochondrial genome maintenance exonuclease 1; plus strand), LOC126862983 (CDK7 strongly-dependent group 2 enhancer GRCh37_chr20:17950167-17951366; plus strand). Cytogenetic location: 20p11.23.
Variant type: single nucleotide variant.
Coding change: c.1A>G on transcript NM_052865.4 (MANE Select); coding-DNA position 1, A replaced by G.
Protein change: p.Met1Val; changes the start codon (methionine 1).
Molecular consequence: missense variant, initiator codon variant.
Genome position (GRCh38, 1-based): chr20:17,969,860, A>G. VCF-style: chr20-17969860-A-G. GRCh37 (hg19) VCF-style: chr20-17950503-A-G.
Other names: c.1A>G, p.Met1Val (NM_001310338.2, NM_001310339.2, NM_001363738.2); short protein forms M1V.
Identifiers: ClinVar variation 1935582 (VCV001935582.6), dbSNP rs778604585, ClinGen allele CA9774858.